The following is an entry in ClinVar:

NM_003458.4(BSN):c.6653C>G (p.Pro2218Arg)

Gene: BSN (bassoon presynaptic cytomatrix protein; plus strand). Cytogenetic location: 3p21.31.
Variant type: single nucleotide variant.
Coding change: c.6653C>G on transcript NM_003458.4 (MANE Select); coding-DNA position 6653, C replaced by G.
Protein change: p.Pro2218Arg; replaces proline 2218 with arginine.
Molecular consequence: missense variant.
Genome position (GRCh38, 1-based): chr3:49,656,209, C>G. VCF-style: chr3-49656209-C-G. GRCh37 (hg19) VCF-style: chr3-49693642-C-G.
Other names: short protein forms P2218R.
Identifiers: ClinVar variation 5009830 (VCV005009830.1).

ClinVar aggregate classification (germline): Uncertain significance (1 of 4 stars; one submission).

gnomAD v4.1: 3 of 1,610,570 alleles (0.00019%); highest among the groups gnomAD compares: Non-Finnish European, 0.00025%; no homozygotes.

Submission:

GeneDx
Classification: Uncertain significance. Last evaluated: 2026-02-19. Review status: criteria provided, single submitter. Criteria: GeneDx Variant Classification Process June 2021. Collection method: clinical testing. Allele origin: germline.
Comment: Not observed at significant frequency in large population cohorts (gnomAD); In silico analysis supports that this missense variant has a deleterious effect on protein structure/function; Has not been previously published as pathogenic or benign to our knowledge